The following is an entry in ClinVar:

NM_001142966.3(GREB1L):c.4587C>G (p.His1529Gln)

Gene: GREB1L (GREB1 like retinoic acid receptor coactivator; plus strand). Cytogenetic location: 18q11.2.
Variant type: single nucleotide variant.
Coding change: c.4587C>G on transcript NM_001142966.3 (MANE Select); coding-DNA position 4587, C replaced by G.
Protein change: p.His1529Gln; replaces histidine 1529 with glutamine.
Molecular consequence: missense variant.
Genome position (GRCh38, 1-based): chr18:21,508,443, C>G. VCF-style: chr18-21508443-C-G. GRCh37 (hg19) VCF-style: chr18-19088404-C-G.
Other names: c.4716C>G, p.His1572Gln (NM_001410867.1); c.4260C>G, p.His1420Gln (NM_001410868.1); short protein forms H1420Q, H1572Q, H1529Q.
Identifiers: ClinVar variation 2838701 (VCV002838701.3), dbSNP rs909910944, ClinGen allele CA401758386.
Genomic context (GRCh38, chr18:21,508,443, plus strand): 5'-GCAGAATTTGAATGCAGTCAAGAGCCCTATTTTCACTCCTTCCAGTGGTCGACATGAGCA[C>G]GGACTCCTAAACCTTTTCCACGCCATGGAGGGCATCAGCCACCTTCACCTCCTGGTGGTC-3'
Protein context (NP_001136438.1, residues 1519-1539): IFTPSSGRHE[His1529Gln]GLLNLFHAME

ClinVar aggregate classification (germline): Uncertain significance (1 of 4 stars; one submission).

Submission:

Labcorp Genetics (formerly Invitae), Labcorp
Classification: Uncertain significance. Last evaluated: 2024-06-24. Review status: criteria provided, single submitter. Criteria: Invitae Variant Classification Sherloc (09022015). Collection method: clinical testing. Allele origin: germline.
Comment: This sequence change replaces histidine, which is basic and polar, with glutamine, which is neutral and polar, at codon 1529 of the GREB1L protein (p.His1529Gln). This variant is not present in population databases (gnomAD no frequency). This variant has not been reported in the literature in individuals affected with GREB1L-related conditions. Algorithms developed to predict the effect of missense changes on protein structure and function output the following: SIFT: "Not Available"; PolyPhen-2: "Benign"; Align-GVGD: "Not Available". The glutamine amino acid residue is found in multiple mammalian species, which suggests that this missense change does not adversely affect protein function. In summary, the available evidence is currently insufficient to determine the role of this variant in disease. Therefore, it has been classified as a Variant of Uncertain Significance.